The following is an entry in ClinVar:

ClinVar aggregate classification (germline): Pathogenic (1 of 4 stars; one submission).

Conditions:
Severe combined immunodeficiency due to DCLRE1C deficiency (RS-SCID). Also called: SCID, AUTOSOMAL RECESSIVE, T CELL-NEGATIVE, B CELL-NEGATIVE, NK CELL-POSITIVE, WITH SENSITIVITY TO IONIZING RADIATION. Identifiers: Orphanet 275, MedGen C1865371, MONDO:0011225, OMIM 602450.

Submission:

Labcorp Genetics (formerly Invitae), Labcorp
Classification: Pathogenic for Athabaskan severe combined immunodeficiency. Last evaluated: 2023-02-08. Review status: criteria provided, single submitter. Criteria: Invitae Variant Classification Sherloc (09022015). Collection method: clinical testing. Allele origin: germline.
Comment: For these reasons, this variant has been classified as Pathogenic. This variant has not been reported in the literature in individuals affected with DCLRE1C-related conditions. This variant is not present in population databases (gnomAD no frequency). This sequence change creates a premature translational stop signal (p.Thr275Leufs*10) in the DCLRE1C gene. It is expected to result in an absent or disrupted protein product. Loss-of-function variants in DCLRE1C are known to be pathogenic (PMID: 21664875, 26123418).

Literature cited by the submitters: PubMed 21664875; PubMed 26123418.

NM_001033855.3(DCLRE1C):c.822del (p.Thr275fs)

Gene: DCLRE1C (DNA cross-link repair 1C; minus strand). Cytogenetic location: 10p13.
Variant type: Deletion.
Coding change: c.822del on transcript NM_001033855.3 (MANE Select); coding-DNA position 822, one base deleted (T; older notation c.822delT).
Protein change: p.Thr275fs; shifts the reading frame from threonine 275.
Molecular consequence: frameshift variant. On other transcripts: non-coding transcript variant (4).
Genome position (GRCh38, 1-based): chr10:14,928,111, A deleted on the plus strand (T on the coding strand, the reverse complement: DCLRE1C is on the minus strand); the first of 2 consecutive A bases (chr10:14,928,111-14,928,112); deleting either gives the same sequence. VCF-style (leftmost placement, unchanged base first): chr10-14928110-TA-T. GRCh37 (hg19) VCF-style: chr10-14970109-TA-T.
Other names: c.462del, p.Thr155fs (NM_001033857.3, NM_001033858.3, NM_001289077.2 and 2 more transcripts); c.477del, p.Thr160fs (NM_001289076.2, NM_001289078.2, NM_001350966.2 and 1 more transcripts); c.822del, p.Thr275fs (NM_001350965.2); short protein forms T155fs, T160fs, T275fs.
Identifiers: ClinVar variation 2016139 (VCV002016139.4), dbSNP rs2491947800, ClinGen allele CA2580081357.